The following is an entry in ClinVar:

ClinVar aggregate classification (germline): Likely pathogenic (1 of 4 stars; one submission).

Conditions:
Hypercholesterolemia, familial, 4 (FHCL4). Also called: HYPERCHOLESTEROLEMIA, AUTOSOMAL RECESSIVE, 1; HYPERCHOLESTEROLEMIA, AUTOSOMAL RECESSIVE, 2. Identifiers: Orphanet 391665, MedGen C1863512, MONDO:0011374, OMIM 603813.

Submission:

Labcorp Genetics (formerly Invitae), Labcorp
Classification: Likely pathogenic for Hypercholesterolemia, familial, 4. Last evaluated: 2025-01-14. Review status: criteria provided, single submitter. Criteria: Invitae Variant Classification Sherloc (09022015). Collection method: clinical testing. Allele origin: germline.
Comment: This sequence change affects a donor splice site in intron 7 of the LDLRAP1 gene. It is expected to disrupt RNA splicing. Variants that disrupt the donor or acceptor splice site typically lead to a loss of protein function (PMID: 16199547), and loss-of-function variants in LDLRAP1 are known to be pathogenic (PMID: 11326085, 12464675). This variant is not present in population databases (gnomAD no frequency). This variant has not been reported in the literature in individuals affected with LDLRAP1-related conditions. Algorithms developed to predict the effect of sequence changes on RNA splicing suggest that this variant may disrupt the consensus splice site. In summary, the currently available evidence indicates that the variant is pathogenic, but additional data are needed to prove that conclusively. Therefore, this variant has been classified as Likely Pathogenic.

Literature cited by the submitters: PubMed 16199547; PubMed 11326085; PubMed 12464675.

NM_015627.3(LDLRAP1):c.747+1G>C

Gene: LDLRAP1 (low density lipoprotein receptor adaptor protein 1; plus strand). Cytogenetic location: 1p36.11.
Variant type: single nucleotide variant.
Coding change: c.747+1G>C on transcript NM_015627.3 (MANE Select); the canonical splice donor site of the intron after coding-DNA position 747, G replaced by C.
Molecular consequence: splice donor variant.
Genome position (GRCh38, 1-based): chr1:25,563,792, G>C. VCF-style: chr1-25563792-G-C. GRCh37 (hg19) VCF-style: chr1-25890283-G-C.
Identifiers: ClinVar variation 3728969 (VCV003728969.2).